The following is an entry in ClinVar:

ClinVar aggregate classification (germline): Uncertain significance. Review status: criteria provided, multiple submitters, no conflicts (2 of 4 stars). 2 submissions from 2 submitters: Uncertain significance (2). Last evaluated 2022-02-09.

Conditions:
Charcot-Marie-Tooth disease dominant intermediate E. Also called: CHARCOT-MARIE-TOOTH NEUROPATHY WITH FOCAL SEGMENTAL GLOMERULONEPHRITIS. Identifiers: Orphanet 93114, MedGen C4302667, MONDO:0013758, OMIM 614455.
Focal segmental glomerulosclerosis 5 (FSGS5). Identifiers: Orphanet 656, MedGen C2750475, MONDO:0013191, OMIM 613237.

Allele frequency attached by ClinVar (database versions not stated): gnomAD exomes below 0.00001; ExAC 0.00001.

Submissions (2):

Fulgent Genetics
Classification: Uncertain significance for Focal segmental glomerulosclerosis 5; Charcot-Marie-Tooth disease dominant intermediate E. Last evaluated: 2022-02-09. Review status: criteria provided, single submitter. Criteria: ACMG Guidelines, 2015. Collection method: clinical testing. Allele origin: unknown.

Labcorp Genetics (formerly Invitae), Labcorp
Classification: Uncertain significance for Charcot-Marie-Tooth disease dominant intermediate E; Focal segmental glomerulosclerosis 5. Last evaluated: 2021-10-13. Review status: criteria provided, single submitter. Criteria: Invitae Variant Classification Sherloc (09022015). Collection method: clinical testing. Allele origin: germline.
Comment: In summary, the available evidence is currently insufficient to determine the role of this variant in disease. Therefore, it has been classified as a Variant of Uncertain Significance. Advanced modeling of protein sequence and biophysical properties (such as structural, functional, and spatial information, amino acid conservation, physicochemical variation, residue mobility, and thermodynamic stability) performed at Invitae indicates that this missense variant is expected to disrupt INF2 protein function. This variant has not been reported in the literature in individuals affected with INF2-related conditions. This variant is present in population databases (rs778308700, ExAC 0.002%). This sequence change replaces arginine with tryptophan at codon 917 of the INF2 protein (p.Arg917Trp). The arginine residue is moderately conserved and there is a moderate physicochemical difference between arginine and tryptophan.

NM_022489.4(INF2):c.2749C>T (p.Arg917Trp)

Gene: INF2 (inverted formin 2; plus strand). Cytogenetic location: 14q32.33.
Variant type: single nucleotide variant.
Coding change: c.2749C>T on transcript NM_022489.4 (MANE Select); coding-DNA position 2749, C replaced by T.
Protein change: p.Arg917Trp; replaces arginine 917 with tryptophan.
Molecular consequence: missense variant.
Genome position (GRCh38, 1-based): chr14:104,712,966, C>T. VCF-style: chr14-104712966-C-T. GRCh37 (hg19) VCF-style: chr14-105179303-C-T.
Other names: c.2749C>T, p.Arg917Trp (NM_001031714.4); short protein forms R917W.
Identifiers: ClinVar variation 1521991 (VCV001521991.7), dbSNP rs778308700, ClinGen allele CA7373053.